The following is an entry in ClinVar:

ClinVar aggregate classification (germline): Uncertain significance. Review status: criteria provided, multiple submitters, no conflicts (2 of 4 stars). 2 submissions from 2 submitters: Uncertain significance (2). Last evaluated 2025-01-19.

Conditions:
Hereditary cancer-predisposing syndrome. Also called: Hereditary Cancer Syndrome; Hereditary neoplastic syndrome; Tumor predisposition; Neoplastic Syndromes, Hereditary. Identifiers: Orphanet 140162, MedGen C0027672, MeSH D009386, MONDO:0015356.

Submissions (2):

Color Diagnostics, LLC DBA Color Health
Classification: Uncertain significance for Hereditary cancer-predisposing syndrome. Last evaluated: 2025-01-19. Review status: criteria provided, single submitter. Criteria: ACMG Guidelines, 2015. Collection method: clinical testing. Allele origin: germline.
Comment: This missense variant replaces aspartic acid with histidine at codon 792 of the PMS2 protein. Computational prediction suggests that this variant may have deleterious impact on protein structure and function (internally defined REVEL score threshold >= 0.7, PMID: 27666373). To our knowledge, functional studies have not been reported for this variant. This variant has not been reported in individuals affected with PMS2-related disorders in the literature. This variant has not been identified in the general population by the Genome Aggregation Database (gnomAD). The available evidence is insufficient to determine the role of this variant in disease conclusively. Therefore, this variant is classified as a Variant of Uncertain Significance.

Ambry Genetics
Classification: Uncertain significance for Hereditary cancer-predisposing syndrome. Last evaluated: 2024-03-19. Review status: criteria provided, single submitter. Criteria: Ambry Variant Classification Scheme 2023. Collection method: clinical testing. Allele origin: germline.
Comment: The p.D792H variant (also known as c.2374G>C), located in coding exon 14 of the PMS2 gene, results from a G to C substitution at nucleotide position 2374. The aspartic acid at codon 792 is replaced by histidine, an amino acid with similar properties. This amino acid position is conserved. In addition, this alteration is predicted to be deleterious by in silico analysis. Since supporting evidence is limited at this time, the clinical significance of this alteration remains unclear.

NM_000535.7(PMS2):c.2374G>C (p.Asp792His)

Gene: PMS2 (PMS1 homolog 2, mismatch repair system component; minus strand). Cytogenetic location: 7p22.1.
Variant type: single nucleotide variant.
Coding change: c.2374G>C on transcript NM_000535.7 (MANE Select); coding-DNA position 2374, G replaced by C.
Protein change: p.Asp792His; replaces aspartic acid 792 with histidine.
Molecular consequence: missense variant. On other transcripts: non-coding transcript variant (1).
Genome position (GRCh38, 1-based): chr7:5,977,659, C>G on the plus strand (G>C on the coding strand, the complement: PMS2 is on the minus strand). VCF-style: chr7-5977659-C-G. GRCh37 (hg19) VCF-style: chr7-6017290-C-G.
Other names: c.1969G>C, p.Asp657His (NM_001018040.1, NM_001322003.2, NM_001322004.2 and 12 more transcripts); c.2218G>C, p.Asp740His (NM_001322006.2); c.2056G>C, p.Asp686His (NM_001322007.2, NM_001322008.2, NM_001406883.1); c.2002G>C, p.Asp668His (NM_001322009.2, NM_001406887.1, NM_001406888.1); c.1813G>C, p.Asp605His (NM_001322010.2, NM_001406906.1, NM_001406907.1); c.1441G>C, p.Asp481His (NM_001322011.2, NM_001322012.2); c.1801G>C, p.Asp601His (NM_001322013.2, NM_001406908.1, NM_001406909.1); c.2407G>C, p.Asp803His (NM_001322014.2); and 20 more; short protein forms D481H, D535H, D621H, D630H, D657H, D684H, D686H, D700H.
Identifiers: ClinVar variation 1790340 (VCV001790340.4), dbSNP rs587781265, ClinGen allele CA366735783.
Genomic context (GRCh38, chr7:5,977,659, plus strand): 5'-AGGCTCTGGAGGCAAACATCTGCTTGACTCGGGAAGGCCGGCACATGACCCCAGGGCTGT[C>G]GCTCAGCATGAAGATCAGTTCATCGACGTCCTGGGGTCCGAAGGTCCAGTTTTTACTAGT-3'
Protein context (NP_000526.2, residues 782-802): DVDELIFMLS[Asp792His]SPGVMCRPSR